The following is an entry in ClinVar:

ClinVar aggregate classification (germline): Uncertain significance. Review status: criteria provided, multiple submitters, no conflicts (2 of 4 stars). 2 submissions from 2 submitters: Uncertain significance (2). Last evaluated 2025-08-20.

Conditions:
Inborn genetic diseases. Identifiers: MedGen C0950123, MeSH D030342.

Allele frequency attached by ClinVar (database versions not stated): TOPMed 0.00001.
gnomAD v4.1: 10 of 1,612,220 alleles (0.00062%); highest among the groups gnomAD compares: Non-Finnish European, 0.00068%; no homozygotes.

Submissions (2):

Labcorp Genetics (formerly Invitae), Labcorp
Classification: Uncertain significance. Last evaluated: 2025-08-20. Review status: criteria provided, single submitter. Criteria: Invitae Variant Classification Sherloc (09022015). Collection method: clinical testing. Allele origin: germline.
Comment: This sequence change replaces alanine, which is neutral and non-polar, with valine, which is neutral and non-polar, at codon 190 of the PDE3A protein (p.Ala190Val). This variant is present in population databases (no rsID available, gnomAD 0.002%). This variant has not been reported in the literature in individuals affected with PDE3A-related conditions. ClinVar contains an entry for this variant (Variation ID: 2539172). An algorithm developed to predict the effect of missense changes on protein structure and function (PolyPhen-2) suggests that this variant is likely to be disruptive. In summary, the available evidence is currently insufficient to determine the role of this variant in disease. Therefore, it has been classified as a Variant of Uncertain Significance.

Ambry Genetics
Classification: Uncertain significance for Inborn genetic diseases. Last evaluated: 2023-04-20. Review status: criteria provided, single submitter. Criteria: Ambry Variant Classification Scheme 2023. Collection method: clinical testing. Allele origin: germline.

NM_000921.5(PDE3A):c.569C>T (p.Ala190Val)

Genes: PDE3A (phosphodiesterase 3A; plus strand), PDE3A-AS1 (PDE3A antisense RNA 1; minus strand), LOC124625920 (Sharpr-MPRA regulatory region 8059; plus strand). Cytogenetic location: 12p12.2.
Variant type: single nucleotide variant.
Coding change: c.569C>T on transcript NM_000921.5 (MANE Select); coding-DNA position 569, C replaced by T.
Protein change: p.Ala190Val; replaces alanine 190 with valine.
Molecular consequence: missense variant. On other transcripts: 5 prime UTR variant (1).
Genome position (GRCh38, 1-based): chr12:20,369,853, C>T. VCF-style: chr12-20369853-C-T. GRCh37 (hg19) VCF-style: chr12-20522787-C-T.
Other names: c.569C>T, p.Ala190Val (NM_001378407.1); c.-460C>T (NM_001378408.1); short protein forms A190V.
Identifiers: ClinVar variation 2539172 (VCV002539172.3), dbSNP rs770268912, ClinGen allele CA384294456.